The following is an entry in ClinVar:

NM_000059.4(BRCA2):c.7164A>C (p.Thr2388=)

Gene: BRCA2 (BRCA2 DNA repair associated; plus strand). Cytogenetic location: 13q13.1.
Variant type: single nucleotide variant.
Coding change: c.7164A>C on transcript NM_000059.4 (MANE Select); coding-DNA position 7164, A replaced by C.
Protein change: p.Thr2388=; no amino-acid change (threonine 2388 retained).
Molecular consequence: synonymous variant. On other transcripts: non-coding transcript variant (1).
Genome position (GRCh38, 1-based): chr13:32,355,017, A>C. VCF-style: chr13-32355017-A-C. GRCh37 (hg19) VCF-style: chr13-32929154-A-C.
Other names: c.7068A>C, p.Thr2356= (NM_001406719.1); c.7164A>C, p.Thr2388= (NM_001406720.1, NM_001432077.1); c.2232A>C, p.Thr744= (NM_001406721.1); c.747A>C, p.Thr249= (NM_001406722.1).
Identifiers: ClinVar variation 3342200 (VCV003342200.16).

ClinVar aggregate classification (germline): Likely benign (1 of 4 stars; one submission).

Submission:

CeGaT Center for Human Genetics Tuebingen
Classification: Likely benign. Last evaluated: 2024-09-01. Review status: criteria provided, single submitter. Criteria: CeGaT Center For Human Genetics Tuebingen Variant Classification Criteria Version 2. Collection method: clinical testing. Allele origin: germline. Affected: yes. Observed: 1 variant allele.
Comment: BRCA2: PM2:Supporting, BP4, BP7